The following is an entry in ClinVar:

NM_004370.6(COL12A1):c.2743G>A (p.Asp915Asn)

Gene: COL12A1 (collagen type XII alpha 1 chain; minus strand). Cytogenetic location: 6q13.
Variant type: single nucleotide variant.
Coding change: c.2743G>A on transcript NM_004370.6 (MANE Select); coding-DNA position 2743, G replaced by A.
Protein change: p.Asp915Asn; replaces aspartic acid 915 with asparagine.
Molecular consequence: missense variant. On other transcripts: intron variant (1).
Genome position (GRCh38, 1-based): chr6:75,165,747, C>T on the plus strand (G>A on the coding strand, the complement: COL12A1 is on the minus strand). VCF-style: chr6-75165747-C-T. GRCh37 (hg19) VCF-style: chr6-75875463-C-T.
Other names: c.74-13265G>A (NM_080645.3); short protein forms D915N.
Identifiers: ClinVar variation 1718107 (VCV001718107.6), dbSNP rs2533471196, ClinGen allele CA364758745.

ClinVar aggregate classification (germline): Uncertain significance (1 of 4 stars; one submission).

Conditions:
Ullrich congenital muscular dystrophy 2 (UCMD2). Identifiers: Orphanet 75840, MedGen C4225314, MONDO:0014654, OMIM 616470.
Bethlem myopathy 2 (BTHLM2). Identifiers: Orphanet 536516, Orphanet 610, MedGen C4225313, MONDO:0034022, OMIM 616471.

Submission:

Labcorp Genetics (formerly Invitae), Labcorp
Classification: Uncertain significance for Bethlem myopathy 2; Ullrich congenital muscular dystrophy 2. Last evaluated: 2022-08-27. Review status: criteria provided, single submitter. Criteria: Invitae Variant Classification Sherloc (09022015). Collection method: clinical testing. Allele origin: germline.
Comment: Algorithms developed to predict the effect of missense changes on protein structure and function are either unavailable or do not agree on the potential impact of this missense change (SIFT: "Deleterious"; PolyPhen-2: "Probably Damaging"; Align-GVGD: "Class C0"). In summary, the available evidence is currently insufficient to determine the role of this variant in disease. Therefore, it has been classified as a Variant of Uncertain Significance. This sequence change replaces aspartic acid, which is acidic and polar, with asparagine, which is neutral and polar, at codon 915 of the COL12A1 protein (p.Asp915Asn). This variant is not present in population databases (gnomAD no frequency). This variant has not been reported in the literature in individuals affected with COL12A1-related conditions.